The following is an entry in ClinVar:

NM_000441.2(SLC26A4):c.770T>C (p.Leu257Pro)

Gene: SLC26A4 (solute carrier family 26 member 4; plus strand). Cytogenetic location: 7q22.3.
Variant type: single nucleotide variant.
Coding change: c.770T>C on transcript NM_000441.2 (MANE Select); coding-DNA position 770, T replaced by C.
Protein change: p.Leu257Pro; replaces leucine 257 with proline.
Molecular consequence: missense variant.
Genome position (GRCh38, 1-based): chr7:107,683,206, T>C. VCF-style: chr7-107683206-T-C. GRCh37 (hg19) VCF-style: chr7-107323651-T-C.
Other names: short protein forms L257P.
Identifiers: ClinVar variation 4088126 (VCV004088126.1).

ClinVar aggregate classification (germline): Uncertain significance (1 of 4 stars; one submission).

Submission:

GeneDx
Classification: Uncertain significance. Last evaluated: 2025-03-25. Review status: criteria provided, single submitter. Criteria: GeneDx Variant Classification Process June 2021. Collection method: clinical testing. Allele origin: germline. Affected: yes.
Comment: Not observed at significant frequency in large population cohorts (gnomAD); In silico analysis supports that this missense variant has a deleterious effect on protein structure/function; This variant is associated with the following publications: (PMID: 26969326)